The following is an entry in ClinVar:

NM_001330723.2(SNX27):c.60CGG[5] (p.Gly25dup)

Genes: SNX27 (sorting nexin 27; plus strand), LOC129931442 (ATAC-STARR-seq lymphoblastoid silent region 1324; plus strand). Cytogenetic location: 1q21.3.
Variant type: Microsatellite.
Coding change: c.60CGG[5] on transcript NM_001330723.2 (MANE Select); five copies in a row of the 3-base unit CGG starting at c.60; the reference has four copies in a row; one copy, 3 bases duplicated.
Protein change: p.Gly25dup; duplicates glycine 25.
Molecular consequence: inframe insertion.
Genome position (GRCh38, 1-based): chr1:151,612,270-151,612,272, CGG duplicated; duplicating any 3 consecutive bases within chr1:151,612,259-151,612,272 gives the same sequence; the position shown is the placement nearest the transcript's 3' end. VCF-style (leftmost placement, unchanged base first): chr1-151612258-T-TGGC. GRCh37 (hg19) VCF-style: chr1-151584734-T-TGGC.
Other names: p.Gly25dup; c.60CGG[5], p.Gly25dup (NM_030918.6); c.69_71dup (NM_030918.6).
Identifiers: ClinVar variation 462816 (VCV000462816.20), dbSNP rs567208173, ClinGen allele CA1093337.

ClinVar aggregate classification (germline): Benign/Likely benign. Review status: criteria provided, multiple submitters, no conflicts (2 of 4 stars). 3 submissions from 3 submitters: Benign (1); Likely benign (2). Last evaluated 2026-05-01.

Conditions:
Severe myoclonic epilepsy in infancy (DRVT). Also called: DEVELOPMENTAL AND EPILEPTIC ENCEPHALOPATHY 6A; Dravet syndrome; Epileptic encephalopathy, early infantile, 6 (Dravet syndrome); SEVERE MYOCLONIC EPILEPSY OF INFANCY; Severe Myoclonic Epilepsy in Infancy (SMEI). Identifiers: Orphanet 33069, MedGen C0751122, MONDO:0100135, OMIM 607208.

Submissions (3):

CeGaT Center for Human Genetics Tuebingen
Classification: Likely benign. Last evaluated: 2026-05-01. Review status: criteria provided, single submitter. Criteria: CeGaT Center For Human Genetics Tuebingen Variant Classification Criteria Version 2. Collection method: clinical testing. Allele origin: germline. Affected: yes. Observed: 11 variant alleles.
Comment: SNX27: BS2

Labcorp Genetics (formerly Invitae), Labcorp
Classification: Benign for Severe myoclonic epilepsy in infancy. Last evaluated: 2026-02-02. Review status: criteria provided, single submitter. Criteria: Invitae Variant Classification Sherloc (09022015). Collection method: clinical testing. Allele origin: germline.

Mayo Clinic Laboratories, Mayo Clinic
Classification: Likely benign. Last evaluated: 2025-01-02. Review status: criteria provided, single submitter. Criteria: ACMG Guidelines, 2015. Collection method: clinical testing. Allele origin: germline. Observed: 2 variant alleles.
Comment: BA1